The following is an entry in ClinVar:

NM_006514.4(SCN10A):c.2222T>G (p.Leu741Arg)

Gene: SCN10A (sodium voltage-gated channel alpha subunit 10; minus strand). Cytogenetic location: 3p22.2.
Variant type: single nucleotide variant.
Coding change: c.2222T>G on transcript NM_006514.4 (MANE Select); coding-DNA position 2222, T replaced by G.
Protein change: p.Leu741Arg; replaces leucine 741 with arginine.
Molecular consequence: missense variant.
Genome position (GRCh38, 1-based): chr3:38,739,573, A>C on the plus strand (T>G on the coding strand, the complement: SCN10A is on the minus strand). VCF-style: chr3-38739573-A-C. GRCh37 (hg19) VCF-style: chr3-38781064-A-C.
Other names: c.2222T>G, p.Leu741Arg (NM_001293306.2); c.1928T>G, p.Leu643Arg (NM_001293307.2); short protein forms L741R, L643R.
Identifiers: ClinVar variation 407744 (VCV000407744.13), dbSNP rs201342036, ClinGen allele CA2320607.

ClinVar aggregate classification (germline): Conflicting classifications of pathogenicity. Review status: criteria provided, conflicting classifications (1 of 4 stars). 3 submissions from 3 submitters: Uncertain significance (2); Likely benign (1). Last evaluated 2024-09-19.

Conditions:
Cardiovascular phenotype. Identifiers: MedGen CN230736.
Brugada syndrome. Also called: Sudden unexplained nocturnal death syndrome; Sudden unexpected nocturnal death syndrome; Sudden Unexplained Death Syndrome; Sudden Unexplained Nocturnal Death Syndrome (SUNDS). Identifiers: Orphanet 130, MedGen C1142166, MONDO:0015263.

Allele frequency attached by ClinVar (database versions not stated): gnomAD 0.00001; 1000 Genomes Project 30x 0.00016; 1000 Genomes Project 0.00020.
gnomAD v4.1: 31 of 1,614,222 alleles (0.0019%); highest among the groups gnomAD compares: Non-Finnish European, 0.0024%; no homozygotes.

Submissions (3):

Blueprint Genetics
Classification: Likely benign. Last evaluated: 2024-09-19. Review status: criteria provided, single submitter. Criteria: ACMG Guidelines, 2015. Collection method: clinical testing. Allele origin: germline.

Labcorp Genetics (formerly Invitae), Labcorp
Classification: Uncertain significance for Brugada syndrome. Last evaluated: 2024-08-13. Review status: criteria provided, single submitter. Criteria: Invitae Variant Classification Sherloc (09022015). Collection method: clinical testing. Allele origin: germline.
Comment: This sequence change replaces leucine, which is neutral and non-polar, with arginine, which is basic and polar, at codon 741 of the SCN10A protein (p.Leu741Arg). This variant is present in population databases (rs201342036, gnomAD 0.004%). This missense change has been observed in individual(s) with Brugada syndrome (PMID: 31292628). ClinVar contains an entry for this variant (Variation ID: 407744). Advanced modeling of protein sequence and biophysical properties (such as structural, functional, and spatial information, amino acid conservation, physicochemical variation, residue mobility, and thermodynamic stability) has been performed at Invitae for this missense variant, however the output from this modeling did not meet the statistical confidence thresholds required to predict the impact of this variant on SCN10A protein function. In summary, the available evidence is currently insufficient to determine the role of this variant in disease. Therefore, it has been classified as a Variant of Uncertain Significance.

Ambry Genetics
Classification: Uncertain significance for Cardiovascular phenotype. Last evaluated: 2023-04-17. Review status: criteria provided, single submitter. Criteria: Ambry Variant Classification Scheme 2023. Collection method: clinical testing. Allele origin: germline.
Comment: The p.L741R variant (also known as c.2222T>G), located in coding exon 14 of the SCN10A gene, results from a T to G substitution at nucleotide position 2222. The leucine at codon 741 is replaced by arginine, an amino acid with dissimilar properties. This variant was identified in one individual with Brugada syndrome (Monasky MM et al. Europace, 2019 10;21:1550-1558). This amino acid position is highly conserved in available vertebrate species. In addition, this alteration is predicted to be deleterious by in silico analysis. Based on available evidence to date, the clinical significance of this alteration remains unclear.

Literature cited by the submitters: PubMed 31292628 (cited by Labcorp Genetics (formerly Invitae), Labcorp and Ambry Genetics).